The following is an entry in ClinVar:

NM_001199138.2(NLRC4):c.2614+63A>G

Gene: NLRC4 (NLR family CARD domain containing 4; minus strand). Cytogenetic location: 2p22.3.
Variant type: single nucleotide variant.
Coding change: c.2614+63A>G on transcript NM_001199138.2 (MANE Select); 63 bases into the intron after coding-DNA position 2614, A replaced by G.
Molecular consequence: intron variant.
Genome position (GRCh38, 1-based): chr2:32,236,184, T>C on the plus strand (A>G on the coding strand, the complement: NLRC4 is on the minus strand). VCF-style: chr2-32236184-T-C. GRCh37 (hg19) VCF-style: chr2-32461253-T-C.
Other names: c.619+63A>G (NM_001302504.1); c.2614+63A>G (NM_021209.4, NM_001199139.1).
Identifiers: ClinVar variation 102936 (VCV000102936.2), dbSNP rs199475958, ClinGen allele CA229899.
Genomic context (GRCh38, chr2:32,236,184, plus strand): 5'-CTAAGGAGGGTGCATCTAGTAAGGCACACATGGGTATAAAAGACCTCAGGACCCAGGCTA[T>C]GTATTTCGACTACCCAGTATACATATTCAAGTATCTAATTTTGGCTGAATTGTCATTCTT-3'

ClinVar aggregate classification (germline): not provided. Review status: no classification provided (0 of 4 stars). 2 submissions from 1 submitter: not provided (1). 1 of the submissions does not count toward it.

Submissions (2):

Human Evolutionary Genetics, Institut Pasteur
No classification provided. Review status: no classification provided. Collection method: not provided. Allele origin: germline.
ClinVar note: Converted during submission from untested to not provided.

Human Evolutionary Genetics, Institut Pasteur
No classification provided. Review status: flagged submission. Collection method: not provided. Allele origin: germline. Not counted in ClinVar's aggregate classification.
ClinVar note: Converted during submission from untested to not provided.
ClinVar note: Reason: This record appears to be redundant with a more recent record from the same submitter.
ClinVar note: Notes: SCV000121677 appears to be redundant with SCV000121798.